The following is an entry in ClinVar:

ClinVar aggregate classification (germline): Uncertain significance (1 of 4 stars; one submission).

gnomAD v4.1: 2 of 1,614,114 alleles (0.00012%); highest among the groups gnomAD compares: Admixed American, 0.0033%; no homozygotes.

Submission:

Labcorp Genetics (formerly Invitae), Labcorp
Classification: Uncertain significance. Last evaluated: 2025-07-30. Review status: criteria provided, single submitter. Criteria: Invitae Variant Classification Sherloc (09022015). Collection method: clinical testing. Allele origin: germline.
Comment: This sequence change replaces valine, which is neutral and non-polar, with leucine, which is neutral and non-polar, at codon 262 of the ADNP protein (p.Val262Leu). This variant is present in population databases (rs758985644, gnomAD 0.006%). This variant has not been reported in the literature in individuals affected with ADNP-related conditions. An algorithm developed to predict the effect of missense changes on protein structure and function (PolyPhen-2) suggests that this variant is likely to be disruptive. In summary, the available evidence is currently insufficient to determine the role of this variant in disease. Therefore, it has been classified as a Variant of Uncertain Significance.

NM_001282531.3(ADNP):c.784G>C (p.Val262Leu)

Gene: ADNP (activity dependent neuroprotector homeobox; minus strand). Cytogenetic location: 20q13.13.
Variant type: single nucleotide variant.
Coding change: c.784G>C on transcript NM_001282531.3 (MANE Select); coding-DNA position 784, G replaced by C.
Protein change: p.Val262Leu; replaces valine 262 with leucine.
Molecular consequence: missense variant.
Genome position (GRCh38, 1-based): chr20:50,893,930, C>G on the plus strand (G>C on the coding strand, the complement: ADNP is on the minus strand). VCF-style: chr20-50893930-C-G. GRCh37 (hg19) VCF-style: chr20-49510467-C-G.
Other names: c.784G>C, p.Val262Leu (NM_001282532.2, NM_001347511.2, NM_015339.5 and 1 more transcripts); c.1000G>C, p.Val334Leu (NM_001439000.1); c.100G>C, p.Val34Leu (NM_001439001.1); short protein forms V262L, V334L, V34L.
Identifiers: ClinVar variation 4805373 (VCV004805373.1).